The following is an entry in ClinVar:

ClinVar aggregate classification (germline): Likely pathogenic (1 of 4 stars; one submission).

Conditions:
Joubert syndrome. Also called: JOUBERT-BOLTSHAUSER SYNDROME; Familial aplasia of the vermis. Identifiers: Orphanet 475, MedGen C5979921, MONDO:0018772.
Meckel-Gruber syndrome. Also called: DYSENCEPHALIA SPLANCHNOCYSTICA; GRUBER SYNDROME; Dysencephalia splachnocystica. Identifiers: Orphanet 564, MedGen C0265215, MONDO:0018921.

Allele frequency attached by ClinVar (database versions not stated): ExAC 0.00003; TOPMed below 0.00001; gnomAD 0.00001.
gnomAD v4.1: 2 of 1,560,488 alleles (0.00013%); highest among the groups gnomAD compares: South Asian, 0.0012%; no homozygotes.

Submission:

Labcorp Genetics (formerly Invitae), Labcorp
Classification: Likely pathogenic for Joubert syndrome; Meckel-Gruber syndrome. Last evaluated: 2023-11-20. Review status: criteria provided, single submitter. Criteria: Invitae Variant Classification Sherloc (09022015). Collection method: clinical testing. Allele origin: germline.
Comment: This sequence change affects an acceptor splice site in intron 27 of the CC2D2A gene. It is expected to disrupt RNA splicing. Variants that disrupt the donor or acceptor splice site typically lead to a loss of protein function (PMID: 16199547), and loss-of-function variants in CC2D2A are known to be pathogenic (PMID: 19777577). This variant is present in population databases (rs746409565, gnomAD 0.004%). This variant has not been reported in the literature in individuals affected with CC2D2A-related conditions. Algorithms developed to predict the effect of sequence changes on RNA splicing suggest that this variant may disrupt the consensus splice site. In summary, the currently available evidence indicates that the variant is pathogenic, but additional data are needed to prove that conclusively. Therefore, this variant has been classified as Likely Pathogenic.

Literature cited by the submitters: PubMed 16199547; PubMed 19777577.

NM_001378615.1(CC2D2A):c.3399-1G>C

Genes: CC2D2A (coiled-coil and C2 domain containing 2A; plus strand), FBXL5 (F-box and leucine rich repeat protein 5; minus strand). Cytogenetic location: 4p15.32.
Variant type: single nucleotide variant.
Coding change: c.3399-1G>C on transcript NM_001378615.1 (MANE Select); the canonical splice acceptor site of the intron before coding-DNA position 3399, G replaced by C.
Molecular consequence: splice acceptor variant.
Genome position (GRCh38, 1-based): chr4:15,569,292, G>C. VCF-style: chr4-15569292-G-C. GRCh37 (hg19) VCF-style: chr4-15570915-G-C.
Other names: c.3399-1G>C (NM_001080522.2); c.3252-1G>C (NM_001378617.1).
Identifiers: ClinVar variation 2945152 (VCV002945152.3), dbSNP rs746409565, ClinGen allele CA2864167.